The following is an entry in ClinVar:

ClinVar aggregate classification (germline): Conflicting classifications of pathogenicity. Review status: criteria provided, conflicting classifications (1 of 4 stars). 7 submissions from 6 submitters: Pathogenic (4); Likely pathogenic (1); Uncertain significance (1). 1 of the submissions does not count toward it. Last evaluated 2025-08-25.

Conditions:
Skin creases, congenital symmetric circumferential, 1. Also called: MICHELIN TIRE BABY SYNDROME; SKIN CREASES, MULTIPLE BENIGN RING-SHAPED, OF LIMBS; CIRCUMFERENTIAL SKIN CREASES, KUNZE TYPE; Multiple benign circumferential skin creases on limbs 1. Identifiers: MedGen C4551592, MONDO:0020738, OMIM 156610.
Seizure. Also called: Seizures. Identifiers: MedGen C0036572, HP:0001250.
Complex cortical dysplasia with other brain malformations 6. Identifiers: MedGen C4014283, MONDO:0014341, OMIM 615771.
Lissencephaly. Also called: Lissencephaly spectrum disorders. Identifiers: Orphanet 48471, MedGen C0266463, MeSH D054082, MONDO:0018838, HP:0001339.

Submissions (7):

Daryl Scott Lab, Baylor College of Medicine
Classification: Likely pathogenic for Complex cortical dysplasia with other brain malformations 6. Last evaluated: 2025-08-25. Review status: criteria provided, single submitter. Criteria: ACMG Guidelines, 2015. Collection method: clinical testing. Allele origin: maternal. Affected: yes. Observed: 1 heterozygote.
Comment: PS4, PM2, PP3

GeneDx
Classification: Pathogenic. Last evaluated: 2024-11-29. Review status: criteria provided, single submitter. Criteria: GeneDx Variant Classification Process June 2021. Collection method: clinical testing. Allele origin: germline. Affected: yes.
Comment: Not observed at significant frequency in large population cohorts (gnomAD); In silico analysis supports that this missense variant has a deleterious effect on protein structure/function; This variant is associated with the following publications: (PMID: 29706646, 35586607, 36305856, 29261186, 29671837)

Cytogénomique, Hospices Civils de Lyon
Classification: Pathogenic for Seizures. Last evaluated: 2022-11-23. Review status: criteria provided, single submitter. Criteria: ACMG Guidelines, 2015. Collection method: clinical testing. Allele origin: de novo. Affected: yes. Observed: 1 variant allele, 1 compound heterozygote.

Baylor Genetics
Classification: Pathogenic for Skin creases, congenital symmetric circumferential, 1. Last evaluated: 2022-10-12. Review status: criteria provided, single submitter. Criteria: ACMG Guidelines, 2015. Collection method: clinical testing. Allele origin: unknown.

Baylor Genetics
Classification: Pathogenic for Complex cortical dysplasia with other brain malformations 6. Last evaluated: 2022-10-12. Review status: criteria provided, single submitter. Criteria: ACMG Guidelines, 2015. Collection method: clinical testing. Allele origin: unknown.

Lupski Lab, Baylor-Hopkins CMG, Baylor College of Medicine
Classification: Uncertain significance for Complex cortical dysplasia with other brain malformations 6. Last evaluated: 2017-09-01. Review status: criteria provided, single submitter. Criteria: Wiszniewski et al. (Eur J Hum Genet. 2018). Collection method: research. Allele origin: de novo. Inheritance: Autosomal dominant inheritance. Affected: yes. Observed: 1 variant allele.

University of Washington Center for Mendelian Genomics, University of Washington
Classification: Likely pathogenic for lissencephaly. Review status: no assertion criteria provided. Collection method: research. Allele origin: de novo. Affected: yes. Not counted in ClinVar's aggregate classification.

Literature cited by the submitters: PubMed 29671837 (cited by University of Washington Center for Mendelian Genomics, University of Washington).

NM_178014.4(TUBB):c.860C>T (p.Pro287Leu)

Gene: TUBB (tubulin beta class I; plus strand). Cytogenetic location: 6p21.33.
Variant type: single nucleotide variant.
Coding change: c.860C>T on transcript NM_178014.4 (MANE Select); coding-DNA position 860, C replaced by T.
Protein change: p.Pro287Leu; replaces proline 287 with leucine.
Molecular consequence: missense variant. On other transcripts: intron variant (1).
Genome position (GRCh38, 1-based): chr6:30,723,922, C>T. VCF-style: chr6-30723922-C-T. GRCh37 (hg19) VCF-style: chr6-30691699-C-T.
Other names: c.920C>T, p.Pro307Leu (NM_001293212.2); c.728C>T, p.Pro243Leu (NM_001293214.2); c.644C>T, p.Pro215Leu (NM_001293215.2, NM_001293216.2); c.370-116C>T (NM_001293213.2); short protein forms P287L, P307L, P215L, P243L.
Identifiers: ClinVar variation 438586 (VCV000438586.8), dbSNP rs1554202416, ClinGen allele CA363148899.